The following is an entry in ClinVar:

ClinVar aggregate classification (germline): Uncertain significance (1 of 4 stars; one submission).

Allele frequency attached by ClinVar (database versions not stated): gnomAD 0.00001; TOPMed 0.00001.

Submission:

Labcorp Genetics (formerly Invitae), Labcorp
Classification: Uncertain significance. Last evaluated: 2023-12-11. Review status: criteria provided, single submitter. Criteria: Invitae Variant Classification Sherloc (09022015). Collection method: clinical testing. Allele origin: germline.
Comment: This sequence change replaces threonine, which is neutral and polar, with isoleucine, which is neutral and non-polar, at codon 25 of the CLCN6 protein (p.Thr25Ile). This variant is not present in population databases (gnomAD no frequency). This variant has not been reported in the literature in individuals affected with CLCN6-related conditions. ClinVar contains an entry for this variant (Variation ID: 2166450). An algorithm developed to predict the effect of missense changes on protein structure and function (PolyPhen-2) suggests that this variant is likely to be tolerated. In summary, the available evidence is currently insufficient to determine the role of this variant in disease. Therefore, it has been classified as a Variant of Uncertain Significance.

NM_001286.5(CLCN6):c.74C>T (p.Thr25Ile)

Gene: CLCN6 (chloride voltage-gated channel 6; plus strand). Cytogenetic location: 1p36.22.
Variant type: single nucleotide variant.
Coding change: c.74C>T on transcript NM_001286.5 (MANE Select); coding-DNA position 74, C replaced by T.
Protein change: p.Thr25Ile; replaces threonine 25 with isoleucine.
Molecular consequence: missense variant. On other transcripts: non-coding transcript variant (1).
Genome position (GRCh38, 1-based): chr1:11,806,336, C>T. VCF-style: chr1-11806336-C-T. GRCh37 (hg19) VCF-style: chr1-11866393-C-T.
Other names: c.74C>T, p.Thr25Ile (NM_001256959.2); short protein forms T25I.
Identifiers: ClinVar variation 2166450 (VCV002166450.4), dbSNP rs1168074088, ClinGen allele CA338424109.
Genomic context (GRCh38, chr1:11,806,336, plus strand): 5'-GGGGGTCTCTGTGCTGCTGCTGCAGGTGGTGCTGCTGCTGCGGTGAGCGTGAGACCCGCA[C>T]CCCCGAGGAGCTGGTAAGAAGCCGGCGGAGTCGGCCTGGGGAGGGGGCGGTTGCTAAGGG-3'
Protein context (NP_001277.2, residues 15-35): CCCCGERETR[Thr25Ile]PEELTILGET